The following is an entry in ClinVar:

ClinVar aggregate classification (germline): Uncertain significance (1 of 4 stars; one submission).

gnomAD v4.1: 1 of 1,614,130 alleles (0.000062%); no homozygotes.

Submission:

GeneDx
Classification: Uncertain significance. Last evaluated: 2020-01-23. Review status: criteria provided, single submitter. Criteria: GeneDx Variant Classification Process June 2021. Collection method: clinical testing. Allele origin: germline. Affected: yes.
Comment: Not observed in large population cohorts (Lek et al., 2016); Missense variant in a gene in which most reported pathogenic variants are truncating/loss-of-function; Has not been previously published as pathogenic or benign to our knowledge

NM_001267550.2(TTN):c.5893G>A (p.Asp1965Asn)

Gene: TTN (titin; minus strand). Cytogenetic location: 2q31.2.
Variant type: single nucleotide variant.
Coding change: c.5893G>A on transcript NM_001267550.2 (MANE Select); coding-DNA position 5893, G replaced by A.
Protein change: p.Asp1965Asn; replaces aspartic acid 1965 with asparagine.
Molecular consequence: missense variant.
Genome position (GRCh38, 1-based): chr2:178,775,971, C>T on the plus strand (G>A on the coding strand, the complement: TTN is on the minus strand). VCF-style: chr2-178775971-C-T. GRCh37 (hg19) VCF-style: chr2-179640698-C-T.
Other names: c.5893G>A, p.Asp1965Asn (NM_001256850.1, NM_133378.4, NM_133379.5); c.5755G>A, p.Asp1919Asn (NM_003319.4, NM_133432.3, NM_133437.4); short protein forms D1919N, D1965N.
Identifiers: ClinVar variation 1315036 (VCV001315036.2), dbSNP rs1482376558, ClinGen allele CA349445823.